The following is an entry in ClinVar:

NM_016616.5(NME8):c.668A>G (p.Tyr223Cys)

Gene: NME8 (NME/NM23 family member 8; plus strand). Cytogenetic location: 7p14.1.
Variant type: single nucleotide variant.
Coding change: c.668A>G on transcript NM_016616.5 (MANE Select); coding-DNA position 668, A replaced by G.
Protein change: p.Tyr223Cys; replaces tyrosine 223 with cysteine.
Molecular consequence: missense variant.
Genome position (GRCh38, 1-based): chr7:37,867,748, A>G. VCF-style: chr7-37867748-A-G. GRCh37 (hg19) VCF-style: chr7-37907350-A-G.
Other names: short protein forms Y223C.
Identifiers: ClinVar variation 662571 (VCV000662571.10), dbSNP rs200582084, ClinGen allele CA4222302.

ClinVar aggregate classification (germline): Uncertain significance. Review status: criteria provided, multiple submitters, no conflicts (2 of 4 stars). 2 submissions from 2 submitters: Uncertain significance (2). Last evaluated 2026-06-21.

Conditions:
Primary ciliary dyskinesia. Also called: Ciliary dyskinesia. Identifiers: Orphanet 244, MedGen C0008780, MONDO:0016575, HP:0012265.
Primary ciliary dyskinesia 6. Also called: Primary Ciliary Dyskinesia 6: TXNDC3-Related Primary Ciliary Dyskinesia. Identifiers: Orphanet 244, MedGen C1970506, MONDO:0012571, OMIM 610852.

Allele frequency attached by ClinVar (database versions not stated): ExAC 0.00001; gnomAD 0.00001; gnomAD exomes 0.00002 and 0.00004; TOPMed 0.00002.
gnomAD v4.1: 67 of 1,613,546 alleles (0.0042%); highest among the groups gnomAD compares: Non-Finnish European, 0.0053%; no homozygotes.

Submissions (2):

Ambry Genetics
Classification: Uncertain significance for Primary ciliary dyskinesia. Last evaluated: 2026-06-21. Review status: criteria provided, single submitter. Criteria: Ambry Variant Classification Scheme 2023. Collection method: clinical testing. Allele origin: germline.
Comment: The p.Y223C variant (also known as c.668A>G), located in coding exon 9 of the NME8 gene, results from an A to G substitution at nucleotide position 668. The tyrosine at codon 223 is replaced by cysteine, an amino acid with highly dissimilar properties. This amino acid position is conserved. In addition, this alteration is predicted to be tolerated by in silico analysis. Based on the available evidence, the clinical significance of this variant remains unclear.

Labcorp Genetics (formerly Invitae), Labcorp
Classification: Uncertain significance for Primary ciliary dyskinesia 6. Last evaluated: 2022-08-23. Review status: criteria provided, single submitter. Criteria: Invitae Variant Classification Sherloc (09022015). Collection method: clinical testing. Allele origin: germline.
Comment: This sequence change replaces tyrosine, which is neutral and polar, with cysteine, which is neutral and slightly polar, at codon 223 of the NME8 protein (p.Tyr223Cys). This variant is present in population databases (rs200582084, gnomAD 0.006%). This variant has not been reported in the literature in individuals affected with NME8-related conditions. ClinVar contains an entry for this variant (Variation ID: 662571). Algorithms developed to predict the effect of missense changes on protein structure and function output the following: SIFT: "Tolerated"; PolyPhen-2: "Benign"; Align-GVGD: "Class C0". The cysteine amino acid residue is found in multiple mammalian species, which suggests that this missense change does not adversely affect protein function. In summary, the available evidence is currently insufficient to determine the role of this variant in disease. Therefore, it has been classified as a Variant of Uncertain Significance.